The following is an entry in ClinVar:

ClinVar aggregate classification (germline): Likely benign (0 of 4 stars; one submission).

Conditions:
SLC27A5-related disorder. Also called: SLC27A5-related condition.

Allele frequency attached by ClinVar (database versions not stated): gnomAD 0.00001; ExAC 0.00002; TOPMed 0.00002; ESP Exome Variant Server 0.00023.
gnomAD v4.1: 78 of 1,613,720 alleles (0.0048%); highest among the groups gnomAD compares: Non-Finnish European, 0.0064%; no homozygotes.

Submission:

PreventionGenetics, part of Exact Sciences
Classification: Likely benign for SLC27A5-related condition. Last evaluated: 2021-07-09. Review status: no assertion criteria provided. Collection method: clinical testing. Allele origin: germline.
Comment: This variant is classified as likely benign based on ACMG/AMP sequence variant interpretation guidelines (Richards et al. 2015 PMID: 25741868, with internal and published modifications).

NM_012254.3(SLC27A5):c.1086C>T (p.Phe362=)

Gene: SLC27A5 (solute carrier family 27 member 5; minus strand). Cytogenetic location: 19q13.43.
Variant type: single nucleotide variant.
Coding change: c.1086C>T on transcript NM_012254.3 (MANE Select); coding-DNA position 1086, C replaced by T.
Protein change: p.Phe362=; no amino-acid change (phenylalanine 362 retained).
Molecular consequence: synonymous variant.
Genome position (GRCh38, 1-based): chr19:58,501,382, G>A on the plus strand (C>T on the coding strand, the complement: SLC27A5 is on the minus strand). VCF-style: chr19-58501382-G-A. GRCh37 (hg19) VCF-style: chr19-59012749-G-A.
Other names: c.834C>T, p.Phe278= (NM_001321196.2).
Identifiers: ClinVar variation 3033761 (VCV003033761.2), dbSNP rs139797863, ClinGen allele CA9718104.